The following is an entry in ClinVar:

ClinVar aggregate classification (germline): Benign. Review status: reviewed by expert panel (3 of 4 stars). 4 submissions from 4 submitters: Benign (1). 3 of the submissions do not count toward it. Last evaluated 2026-08-17.

Conditions:
Alexander disease (ALXDRD). Also called: Alexander's disease. Identifiers: Orphanet 58, MedGen C0270726, MONDO:0008752, OMIM 203450.

Allele frequency attached by ClinVar (database versions not stated): TOPMed 0.00016; gnomAD exomes 0.00015 and 0.00019; gnomAD 0.00015; ESP Exome Variant Server 0.00038; ExAC 0.00014.
gnomAD v4.1: 290 of 1,613,614 alleles (0.018%); highest among the groups gnomAD compares: Middle Eastern, 0.033%; no homozygotes.

Submissions (4):

ClinGen Leukodystrophy and Leukoencephalopathy Variant Curation Expert Panel, ClinGen
Classification: Benign for Alexander disease. Last evaluated: 2026-08-17. Review status: reviewed by expert panel. Criteria: ClinGen Leuko ACMG Specifications GFAP V1.0. Collection method: curation. Allele origin: germline. Inheritance: Autosomal dominant inheritance.
Comment: The c.381C>T variant in GFAP is a synonymous (silent) variant that is not predicted by SpliceAI to impact splicing. In addition, it occurs at a nucleotide that is not conserved as shown by PhyloP. The Total GrpMax filtering allele frequency in gnomAD v4.1.1 is 0.0001994 from the European (non-Finnish) genetic ancestry group (the lower threshold of the 95% CI of 262/1180036 alleles), which is higher than the ClinGen Leukodystrophy and Leukoencephalopathy VCEP threshold (>0.0001) for BA1, and therefore meets this criterion (BA1). This variant has not been reported in any probands/families meeting phenotypic criteria for Alexander disease. In summary, this variant meets the criteria to be classified as benign for Alexander disease based on the ACMG/AMP criteria applied, as specified by the ClinGen Leukodystrophy and Leukoencephalopathy Expert Panel: BA1, BP7 (ClinGen Leukodystrophy and Leukoencephalopathy VCEP Specifications Version 1.0.0).

CeGaT Center for Human Genetics Tuebingen
Classification: Likely benign. Last evaluated: 2026-04-01. Review status: criteria provided, single submitter. Criteria: CeGaT Center For Human Genetics Tuebingen Variant Classification Criteria Version 2. Collection method: clinical testing. Allele origin: germline. Affected: yes. Observed: 4 variant alleles. Not counted in ClinVar's aggregate classification.
Comment: GFAP: BP4, BP7

Labcorp Genetics (formerly Invitae), Labcorp
Classification: Likely benign. Last evaluated: 2025-05-29. Review status: criteria provided, single submitter. Criteria: Invitae Variant Classification Sherloc (09022015). Collection method: clinical testing. Allele origin: germline. Not counted in ClinVar's aggregate classification.

Blueprint Genetics
Classification: Likely benign. Last evaluated: 2024-11-11. Review status: criteria provided, single submitter. Criteria: ACMG Guidelines, 2015. Collection method: clinical testing. Allele origin: germline. Not counted in ClinVar's aggregate classification.

NM_002055.5(GFAP):c.381C>T (p.Leu127=)

Gene: GFAP (glial fibrillary acidic protein; minus strand). Cytogenetic location: 17q21.31.
Variant type: single nucleotide variant.
Coding change: c.381C>T on transcript NM_002055.5 (MANE Select); coding-DNA position 381, C replaced by T.
Protein change: p.Leu127=; no amino-acid change (leucine 127 retained).
Molecular consequence: synonymous variant.
Genome position (GRCh38, 1-based): chr17:44,915,106, G>A on the plus strand (C>T on the coding strand, the complement: GFAP is on the minus strand). VCF-style: chr17-44915106-G-A. GRCh37 (hg19) VCF-style: chr17-42992474-G-A.
Other names: NM_002055.5(GFAP):c.381C>T; p.Leu127=; c.381C>T, p.Leu127= (NM_001131019.3, NM_001242376.3, NM_001363846.2).
Identifiers: ClinVar variation 323622 (VCV000323622.28), dbSNP rs138320302, ClinGen allele CA8609047.
Genomic context (GRCh38, chr17:44,915,106, plus strand): 5'-GTCCTGTGCCAGATTGTCCCTCTCAACCTCCAGCCGGGCGCTGTTGGCGGTGAGTTGATC[G>A]AGCCGCAGCCGCAGCTCTCGCAGCTCAGCCTGGTAGACGTCTGCCAGCTTGGTGGGCTCC-3'
Protein context (NP_002046.1, residues 117-137): QAELRELRLR[Leu127=]DQLTANSARL